The following is an entry in ClinVar:

NM_001283009.2(RTEL1):c.3103C>T (p.Pro1035Ser)

Genes: RTEL1-TNFRSF6B (RTEL1-TNFRSF6B readthrough (NMD candidate); plus strand), RTEL1 (regulator of telomere elongation helicase 1; plus strand). Cytogenetic location: 20q13.33.
Variant type: single nucleotide variant.
Coding change: c.3103C>T on transcript NM_001283009.2 (MANE Select); coding-DNA position 3103, C replaced by T.
Protein change: p.Pro1035Ser; replaces proline 1035 with serine.
Molecular consequence: missense variant. On other transcripts: non-coding transcript variant (1).
Genome position (GRCh38, 1-based): chr20:63,694,482, C>T. VCF-style: chr20-63694482-C-T. GRCh37 (hg19) VCF-style: chr20-62325835-C-T.
Other names: c.2434C>T, p.Pro812Ser (NM_001283010.1); c.3103C>T, p.Pro1035Ser (NM_016434.4); c.3175C>T, p.Pro1059Ser (NM_032957.5); short protein forms P812S, P1035S, P1059S.
Identifiers: ClinVar variation 1047044 (VCV001047044.7), dbSNP rs754768798, ClinGen allele CA9965836.
Genomic context (GRCh38, chr20:63,694,482, plus strand): 5'-CAGCTGGACCCCCAAGAGCACCTGAACCAGGGCAGGCCCCACCTGTCGCCCAGGCCACCC[C>T]CAACAGGTAGCTGACTCCTGAACCGTGTGCAGCCTACGACTTGGTGGGTCCCTCAGTGGC-3'
Protein context (NP_001269938.1, residues 1025-1045): GRPHLSPRPP[Pro1035Ser]TGDPGSQPQW

ClinVar aggregate classification (germline): Uncertain significance. Review status: criteria provided, single submitter (1 of 4 stars). 2 submissions from 2 submitters: Uncertain significance (1). 1 of the submissions does not count toward it. Last evaluated 2026-01-13.

Conditions:
Pulmonary fibrosis and/or bone marrow failure, Telomere-related, 3. Also called: PULMONARY FIBROSIS AND/OR BONE MARROW FAILURE SYNDROME, TELOMERE-RELATED, 3. Identifiers: Orphanet 2032, MedGen C4225346, MONDO:0014613, OMIM 616373.
Dyskeratosis congenita, autosomal recessive 5 (DKCB5). Identifiers: MedGen C3554656, MONDO:0014076, OMIM 615190.
Dyskeratosis congenita. Identifiers: Orphanet 1775, MedGen C0265965, MONDO:0015780.

Allele frequency attached by ClinVar (database versions not stated): ExAC 0.00003; gnomAD 0.00009 and 0.00010; gnomAD exomes 0.00009; TOPMed 0.00009.
gnomAD v4.1: 276 of 1,596,434 alleles (0.017%); highest among the groups gnomAD compares: Non-Finnish European, 0.022%; no homozygotes.

Submissions (2):

Labcorp Genetics (formerly Invitae), Labcorp
Classification: Uncertain significance for Dyskeratosis congenita, autosomal recessive 5; Pulmonary fibrosis and/or bone marrow failure, Telomere-related, 3. Last evaluated: 2026-01-13. Review status: criteria provided, single submitter. Criteria: Invitae Variant Classification Sherloc (09022015). Collection method: clinical testing. Allele origin: germline.
Comment: This sequence change replaces proline, which is neutral and non-polar, with serine, which is neutral and polar, at codon 1035 of the RTEL1 protein (p.Pro1035Ser). This variant is present in population databases (rs754768798, gnomAD 0.02%). This variant has not been reported in the literature in individuals affected with RTEL1-related conditions. ClinVar contains an entry for this variant (Variation ID: 1047044). An algorithm developed to predict the effect of missense changes on protein structure and function outputs the following: PolyPhen-2: "Benign". The serine amino acid residue is found in multiple mammalian species, which suggests that this missense change does not adversely affect protein function. In summary, the available evidence is currently insufficient to determine the role of this variant in disease. Therefore, it has been classified as a Variant of Uncertain Significance.

Natera, Inc.
Classification: Uncertain significance for Dyskeratosis congenita. Last evaluated: 2020-01-17. Review status: no assertion criteria provided. Collection method: clinical testing. Allele origin: germline. Not counted in ClinVar's aggregate classification.